The following is an entry in ClinVar:

NM_005419.4(STAT2):c.874C>G (p.Pro292Ala)

Gene: STAT2 (signal transducer and activator of transcription 2; minus strand). Cytogenetic location: 12q13.3.
Variant type: single nucleotide variant.
Coding change: c.874C>G on transcript NM_005419.4 (MANE Select); coding-DNA position 874, C replaced by G.
Protein change: p.Pro292Ala; replaces proline 292 with alanine.
Molecular consequence: missense variant.
Genome position (GRCh38, 1-based): chr12:56,351,359, G>C on the plus strand (C>G on the coding strand, the complement: STAT2 is on the minus strand). VCF-style: chr12-56351359-G-C. GRCh37 (hg19) VCF-style: chr12-56745143-G-C.
Other names: c.862C>G, p.Pro288Ala (NM_001385110.1, NM_001385115.1, NM_198332.2); c.874C>G, p.Pro292Ala (NM_001385111.1, NM_001385113.1, NM_001385114.1); short protein forms P292A, P288A.
Identifiers: ClinVar variation 1039389 (VCV001039389.8), dbSNP rs754287605, ClinGen allele CA385262308.

ClinVar aggregate classification (germline): Uncertain significance (1 of 4 stars; one submission).

Conditions:
Primary immunodeficiency with post-measles-mumps-rubella vaccine viral infection. Also called: Immunodeficiency 44. Identifiers: Orphanet 431166, MedGen C4225260, MONDO:0014715, OMIM 616636.

gnomAD v4.1: 1 of 1,614,136 alleles (0.000062%); highest among the groups gnomAD compares: Non-Finnish European, 0.000085%; no homozygotes.

Submission:

Labcorp Genetics (formerly Invitae), Labcorp
Classification: Uncertain significance for Primary immunodeficiency with post-measles-mumps-rubella vaccine viral infection. Last evaluated: 2020-08-11. Review status: criteria provided, single submitter. Criteria: Invitae Variant Classification Sherloc (09022015). Collection method: clinical testing. Allele origin: germline.
Comment: In summary, the available evidence is currently insufficient to determine the role of this variant in disease. Therefore, it has been classified as a Variant of Uncertain Significance. Advanced modeling of protein sequence and biophysical properties (such as structural, functional, and spatial information, amino acid conservation, physicochemical variation, residue mobility, and thermodynamic stability) performed at Invitae indicates that this missense variant is expected to disrupt STAT2 protein function. This variant has not been reported in the literature in individuals with STAT2-related conditions. This variant is not present in population databases (ExAC no frequency). This sequence change replaces proline with alanine at codon 292 of the STAT2 protein (p.Pro292Ala). The proline residue is moderately conserved and there is a small physicochemical difference between proline and alanine.